The following is an entry in ClinVar:

NM_002519.3(NPAT):c.921G>A (p.Met307Ile)

Gene: NPAT (nuclear protein, coactivator of histone transcription; minus strand). Cytogenetic location: 11q22.3.
Variant type: single nucleotide variant.
Coding change: c.921G>A on transcript NM_002519.3 (MANE Select); coding-DNA position 921, G replaced by A.
Protein change: p.Met307Ile; replaces methionine 307 with isoleucine.
Molecular consequence: missense variant.
Genome position (GRCh38, 1-based): chr11:108,177,076, C>T on the plus strand (G>A on the coding strand, the complement: NPAT is on the minus strand). VCF-style: chr11-108177076-C-T. GRCh37 (hg19) VCF-style: chr11-108047803-C-T.
Other names: c.921G>A, p.Met307Ile (NM_001321307.1); short protein forms M307I.
Identifiers: ClinVar variation 1766236 (VCV001766236.2), dbSNP rs2496727354, ClinGen allele CA382517409.
Genomic context (GRCh38, chr11:108,177,076, plus strand): 5'-TGCCTGAAATGCTGGGTCTGATTCTGTCTGTTCCAATATGTCCTGTATAGCTTCTTCAGA[C>T]ATGTGAATTTCACTCTGCAAGAAAGGAGTGGCGTGAAGGCATGATTCTAACTGAATTTAT-3'
Protein context (NP_002510.2, residues 297-317): EFLGLPSEIH[Met307Ile]SEEAIQDILE

ClinVar aggregate classification (germline): Uncertain significance (1 of 4 stars; one submission).

Allele frequency attached by ClinVar (database versions not stated): gnomAD exomes below 0.00001.
gnomAD v4.1: 3 of 1,610,242 alleles (0.00019%); highest among the groups gnomAD compares: Non-Finnish European, 0.000085%; no homozygotes.

Submission:

Ambry Genetics
Classification: Uncertain significance. Last evaluated: 2021-10-25. Review status: criteria provided, single submitter. Criteria: Ambry Variant Classification Scheme 2023. Collection method: clinical testing. Allele origin: germline.
Comment: The p.M307I variant (also known as c.921G>A), located in coding exon 11 of the NPAT gene, results from a G to A substitution at nucleotide position 921. The methionine at codon 307 is replaced by isoleucine, an amino acid with highly similar properties. This amino acid position is conserved. In addition, the in silico prediction for this alteration is inconclusive. Since supporting evidence is limited at this time, the clinical significance of this alteration remains unclear.